The following is an entry in ClinVar:

NM_152703.5(SAMD9L):c.1570G>A (p.Glu524Lys)

Gene: SAMD9L (sterile alpha motif domain containing 9 like; minus strand). Cytogenetic location: 7q21.2.
Variant type: single nucleotide variant.
Coding change: c.1570G>A on transcript NM_152703.5 (MANE Select); coding-DNA position 1570, G replaced by A.
Protein change: p.Glu524Lys; replaces glutamic acid 524 with lysine.
Molecular consequence: missense variant.
Genome position (GRCh38, 1-based): chr7:93,134,402, C>T on the plus strand (G>A on the coding strand, the complement: SAMD9L is on the minus strand). VCF-style: chr7-93134402-C-T. GRCh37 (hg19) VCF-style: chr7-92763715-C-T.
Other names: c.1570G>A, p.Glu524Lys (NM_001303496.3, NM_001303497.3, NM_001303498.3 and 5 more transcripts); c.1570G>A (NM_152703.2); short protein forms E524K.
Identifiers: ClinVar variation 2663040 (VCV002663040.3), dbSNP rs575087927, ClinGen allele CA4343709.
Genomic context (GRCh38, chr7:93,134,402, plus strand): 5'-AAAATTTTCCTCTTGTCATTATATTTTCATCTGTGAGAAATAAAATTAGTTTCCTGACTT[C>T]TGAAGCTCTTTCTCTCTGCCATAAATGTGGTTCTAGAGGTTTATATGTCTCGCTTTTCAG-3'
Protein context (NP_689916.2, residues 514-534): PHLWQRERAS[Glu524Lys]VRKLILFLTD

ClinVar aggregate classification (germline): Uncertain significance. Review status: criteria provided, multiple submitters, no conflicts (2 of 4 stars). 2 submissions from 2 submitters: Uncertain significance (2). Last evaluated 2025-05-20.

Conditions:
Inborn genetic diseases. Identifiers: MedGen C0950123, MeSH D030342.

Allele frequency attached by ClinVar (database versions not stated): gnomAD exomes below 0.00001; TOPMed below 0.00001; ExAC 0.00001; 1000 Genomes Project 30x 0.00016; 1000 Genomes Project 0.00020.
gnomAD v4.1: 2 of 1,613,506 alleles (0.00012%); highest among the groups gnomAD compares: African/African-American, 0.0013%; no homozygotes.

Submissions (2):

Ambry Genetics
Classification: Uncertain significance for Inborn genetic diseases. Last evaluated: 2025-05-20. Review status: criteria provided, single submitter. Criteria: Ambry Variant Classification Scheme 2023. Collection method: clinical testing. Allele origin: germline.
Comment: The p.E524K variant (also known as c.1570G>A), located in coding exon 1 of the SAMD9L gene, results from a G to A substitution at nucleotide position 1570. The glutamic acid at codon 524 is replaced by lysine, an amino acid with similar properties. This amino acid position is conserved. In addition, this alteration is predicted to be tolerated by in silico analysis. Based on the available evidence, the clinical significance of this variant remains unclear.

GeneDx
Classification: Uncertain significance. Last evaluated: 2023-04-24. Review status: criteria provided, single submitter. Criteria: GeneDx Variant Classification Process June 2021. Collection method: clinical testing. Allele origin: germline. Affected: yes.
Comment: Not observed at significant frequency in large population cohorts (gnomAD); In silico analysis supports that this missense variant does not alter protein structure/function; Has not been previously published as pathogenic or benign to our knowledge